The following is an entry in ClinVar:

NM_001371928.1(AHDC1):c.640C>T (p.His214Tyr)

Gene: AHDC1 (AT-hook DNA binding motif containing 1; minus strand). Cytogenetic location: 1p36.11.
Variant type: single nucleotide variant.
Coding change: c.640C>T on transcript NM_001371928.1 (MANE Select); coding-DNA position 640, C replaced by T.
Protein change: p.His214Tyr; replaces histidine 214 with tyrosine.
Molecular consequence: missense variant.
Genome position (GRCh38, 1-based): chr1:27,551,476, G>A on the plus strand (C>T on the coding strand, the complement: AHDC1 is on the minus strand). VCF-style: chr1-27551476-G-A. GRCh37 (hg19) VCF-style: chr1-27877987-G-A.
Other names: c.640C>T, p.His214Tyr (NM_001029882.3); short protein forms H214Y.
Identifiers: ClinVar variation 2690473 (VCV002690473.4), dbSNP rs770483453, ClinGen allele CA716114.

ClinVar aggregate classification (germline): Conflicting classifications of pathogenicity. Review status: criteria provided, conflicting classifications (1 of 4 stars). 2 submissions from 2 submitters: Uncertain significance (1); Likely benign (1). Last evaluated 2025-01-25.

Conditions:
AHDC1-related intellectual disability - obstructive sleep apnea - mild dysmorphism syndrome. Also called: Xia-Gibbs syndrome. Identifiers: Orphanet 412069, MedGen C4014419, MONDO:0014358, OMIM 615829.

Allele frequency attached by ClinVar (database versions not stated): TOPMed below 0.00001; gnomAD 0.00002; gnomAD exomes 0.00003; ExAC 0.00006.
gnomAD v4.1: 46 of 1,609,070 alleles (0.0029%); highest among the groups gnomAD compares: Middle Eastern, 0.066%; no homozygotes.

Submissions (2):

Labcorp Genetics (formerly Invitae), Labcorp
Classification: Uncertain significance. Last evaluated: 2025-01-25. Review status: criteria provided, single submitter. Criteria: Invitae Variant Classification Sherloc (09022015). Collection method: clinical testing. Allele origin: germline.
Comment: This sequence change replaces histidine, which is basic and polar, with tyrosine, which is neutral and polar, at codon 214 of the AHDC1 protein (p.His214Tyr). This variant is present in population databases (rs770483453, gnomAD 0.04%), and has an allele count higher than expected for a pathogenic variant. This variant has not been reported in the literature in individuals affected with AHDC1-related conditions. ClinVar contains an entry for this variant (Variation ID: 2690473). An algorithm developed to predict the effect of missense changes on protein structure and function (PolyPhen-2) suggests that this variant is likely to be tolerated. In summary, the available evidence is currently insufficient to determine the role of this variant in disease. Therefore, it has been classified as a Variant of Uncertain Significance.

Revvity Omics, Revvity
Classification: Likely benign for AHDC1-related intellectual disability - obstructive sleep apnea - mild dysmorphism syndrome. Last evaluated: 2023-11-01. Review status: criteria provided, single submitter. Criteria: ACMG Guidelines, 2015. Collection method: clinical testing. Allele origin: germline.